The following is an entry in ClinVar:

NM_020706.2(SCAF4):c.1672C>T (p.Arg558Cys)

Gene: SCAF4 (SR-related CTD associated factor 4; minus strand). Cytogenetic location: 21q22.11.
Variant type: single nucleotide variant.
Coding change: c.1672C>T on transcript NM_020706.2 (MANE Select); coding-DNA position 1672, C replaced by T.
Protein change: p.Arg558Cys; replaces arginine 558 with cysteine.
Molecular consequence: missense variant.
Genome position (GRCh38, 1-based): chr21:31,691,873, G>A on the plus strand (C>T on the coding strand, the complement: SCAF4 is on the minus strand). VCF-style: chr21-31691873-G-A. GRCh37 (hg19) VCF-style: chr21-33064186-G-A.
Other names: c.1627C>T, p.Arg543Cys (NM_001145444.1); c.1672C>T, p.Arg558Cys (NM_001145445.1); short protein forms R543C, R558C.
Identifiers: ClinVar variation 2572957 (VCV002572957.2), dbSNP rs2516753622, ClinGen allele CA410046961.

ClinVar aggregate classification (germline): Uncertain significance (1 of 4 stars; one submission).

Allele frequency attached by ClinVar (database versions not stated): gnomAD exomes below 0.00001.
gnomAD v4.1: 6 of 1,609,956 alleles (0.00037%); highest among the groups gnomAD compares: Non-Finnish European, 0.00051%; no homozygotes.

Submission:

GeneDx
Classification: Uncertain significance. Last evaluated: 2024-03-25. Review status: criteria provided, single submitter. Criteria: GeneDx Variant Classification Process June 2021. Collection method: clinical testing. Allele origin: germline. Affected: yes.
Comment: Not observed at significant frequency in large population cohorts (gnomAD); In silico analysis supports that this missense variant has a deleterious effect on protein structure/function; Has not been previously published as pathogenic or benign to our knowledge; In silico analysis suggests this variant may impact gene splicing. In the absence of RNA/functional studies, the actual effect of this sequence change is unknown.